The following is an entry in ClinVar:

ClinVar aggregate classification (germline): Uncertain significance (1 of 4 stars; one submission).

Conditions:
Hereditary sensory and autonomic neuropathy type 7. Also called: Neuropathy, hereditary sensory and autonomic, type VII; HSAN VII. Identifiers: Orphanet 391397, MedGen C3809882, MONDO:0014244, OMIM 615548.
Familial episodic pain syndrome with predominantly lower limb involvement. Also called: Episodic pain syndrome, familial, 3. Identifiers: Orphanet 391384, Orphanet 391392, MedGen C3809899, MONDO:0014247, OMIM 615552.

gnomAD v4.1: 1 of 1,613,882 alleles (0.000062%); highest among the groups gnomAD compares: East Asian, 0.0022%; no homozygotes.

Submission:

Labcorp Genetics (formerly Invitae), Labcorp
Classification: Uncertain significance for Familial episodic pain syndrome with predominantly lower limb involvement; Hereditary sensory and autonomic neuropathy type 7. Last evaluated: 2022-08-12. Review status: criteria provided, single submitter. Criteria: Invitae Variant Classification Sherloc (09022015). Collection method: clinical testing. Allele origin: germline.
Comment: This variant has not been reported in the literature in individuals affected with SCN11A-related conditions. This sequence change replaces glutamic acid, which is acidic and polar, with glutamine, which is neutral and polar, at codon 535 of the SCN11A protein (p.Glu535Gln). This variant also falls at the last nucleotide of exon 11, which is part of the consensus splice site for this exon. This variant is present in population databases (no rsID available, gnomAD 0.02%). Algorithms developed to predict the effect of missense changes on protein structure and function (SIFT, PolyPhen-2, Align-GVGD) all suggest that this variant is likely to be disruptive. Variants that disrupt the consensus splice site are a relatively common cause of aberrant splicing (PMID: 17576681, 9536098). In summary, the available evidence is currently insufficient to determine the role of this variant in disease. Therefore, it has been classified as a Variant of Uncertain Significance.

Literature cited by the submitters: PubMed 17576681; PubMed 9536098.

NM_001349253.2(SCN11A):c.1603G>C (p.Glu535Gln)

Gene: SCN11A (sodium voltage-gated channel alpha subunit 11; minus strand). Cytogenetic location: 3p22.2.
Variant type: single nucleotide variant.
Coding change: c.1603G>C on transcript NM_001349253.2 (MANE Select); coding-DNA position 1603, G replaced by C.
Protein change: p.Glu535Gln; replaces glutamic acid 535 with glutamine.
Molecular consequence: missense variant.
Genome position (GRCh38, 1-based): chr3:38,905,192, C>G on the plus strand (G>C on the coding strand, the complement: SCN11A is on the minus strand). VCF-style: chr3-38905192-C-G. GRCh37 (hg19) VCF-style: chr3-38946683-C-G.
Other names: c.1603G>C, p.Glu535Gln (NM_014139.3); short protein forms E535Q.
Identifiers: ClinVar variation 2134908 (VCV002134908.4), dbSNP rs267599813, ClinGen allele CA352166131.